The following is an entry in ClinVar:

ClinVar aggregate classification (germline): Uncertain significance (0 of 4 stars; one submission).

Conditions:
CAMK2A-related disorder. Also called: CAMK2A-related condition.

Submission:

PreventionGenetics, part of Exact Sciences
Classification: Uncertain significance for CAMK2A-related condition. Last evaluated: 2024-06-09. Review status: no assertion criteria provided. Collection method: clinical testing. Allele origin: germline.
Comment: The CAMK2A c.869T>C variant is predicted to result in the amino acid substitution p.Leu290Pro. To our knowledge, this variant has not been reported in the literature or in a large population database, indicating this variant is rare. At this time, the clinical significance of this variant is uncertain due to the absence of conclusive functional and genetic evidence.

NM_015981.4(CAMK2A):c.869T>C (p.Leu290Pro)

Gene: CAMK2A (calcium/calmodulin dependent protein kinase II alpha; minus strand). Cytogenetic location: 5q32.
Variant type: single nucleotide variant.
Coding change: c.869T>C on transcript NM_015981.4 (MANE Select); coding-DNA position 869, T replaced by C.
Protein change: p.Leu290Pro; replaces leucine 290 with proline.
Molecular consequence: missense variant.
Genome position (GRCh38, 1-based): chr5:150,250,257, A>G on the plus strand (T>C on the coding strand, the complement: CAMK2A is on the minus strand). VCF-style: chr5-150250257-A-G. GRCh37 (hg19) VCF-style: chr5-149629820-A-G.
Other names: c.869T>C, p.Leu290Pro (NM_001363989.1, NM_001363990.1, NM_001369025.2 and 1 more transcripts); short protein forms L290P.
Identifiers: ClinVar variation 3347289 (VCV003347289.1).